The following is an entry in ClinVar:

NM_005515.4(MNX1):c.53C>T (p.Pro18Leu)

Gene: MNX1 (motor neuron and pancreas homeobox 1; minus strand). Cytogenetic location: 7q36.3.
Variant type: single nucleotide variant.
Coding change: c.53C>T on transcript NM_005515.4 (MANE Select); coding-DNA position 53, C replaced by T.
Protein change: p.Pro18Leu; replaces proline 18 with leucine.
Molecular consequence: missense variant.
Genome position (GRCh38, 1-based): chr7:157,010,298, G>A on the plus strand (C>T on the coding strand, the complement: MNX1 is on the minus strand). VCF-style: chr7-157010298-G-A. GRCh37 (hg19) VCF-style: chr7-156802992-G-A.
Other names: short protein forms P18L.
Identifiers: ClinVar variation 4744397 (VCV004744397.1).

ClinVar aggregate classification (germline): Uncertain significance (1 of 4 stars; one submission).

gnomAD v4.1: 6 of 1,573,400 alleles (0.00038%); highest among the groups gnomAD compares: African/African-American, 0.0028%; no homozygotes.

Submission:

Labcorp Genetics (formerly Invitae), Labcorp
Classification: Uncertain significance. Last evaluated: 2025-03-22. Review status: criteria provided, single submitter. Criteria: Invitae Variant Classification Sherloc (09022015). Collection method: clinical testing. Allele origin: germline.
Comment: This sequence change replaces proline, which is neutral and non-polar, with leucine, which is neutral and non-polar, at codon 18 of the MNX1 protein (p.Pro18Leu). This variant is not present in population databases (gnomAD no frequency). This variant has not been reported in the literature in individuals affected with MNX1-related conditions. Invitae Evidence Modeling of protein sequence and biophysical properties (such as structural, functional, and spatial information, amino acid conservation, physicochemical variation, residue mobility, and thermodynamic stability) indicates that this missense variant is not expected to disrupt MNX1 protein function with a negative predictive value of 80%. In summary, the available evidence is currently insufficient to determine the role of this variant in disease. Therefore, it has been classified as a Variant of Uncertain Significance.